The following is an entry in ClinVar:

NM_001348323.3(TRIP12):c.4076del (p.Gly1359fs)

Gene: TRIP12 (thyroid hormone receptor interactor 12; minus strand). Cytogenetic location: 2q36.3.
Variant type: Deletion.
Coding change: c.4076del on transcript NM_001348323.3 (MANE Select); coding-DNA position 4076, one base deleted (G; older notation c.4076delG).
Protein change: p.Gly1359fs; shifts the reading frame from glycine 1359.
Molecular consequence: frameshift variant.
Genome position (GRCh38, 1-based): chr2:229,793,038, C deleted on the plus strand (G on the coding strand, the reverse complement: TRIP12 is on the minus strand); the first of 3 consecutive C bases (chr2:229,793,038-229,793,040); deleting any one gives the same sequence. VCF-style (leftmost placement, unchanged base first): chr2-229793037-AC-A. GRCh37 (hg19) VCF-style: chr2-230657753-AC-A.
Other names: c.3995del, p.Gly1332fs (NM_001284214.2, NM_001348315.2); c.3950del, p.Gly1317fs (NM_001284215.2, NM_001348316.2); c.3041del, p.Gly1014fs (NM_001284216.2); c.3935del, p.Gly1312fs (NM_001348317.1, NM_001348318.2); c.4061del, p.Gly1354fs (NM_001348319.1, NM_001348320.2); c.4064del, p.Gly1355fs (NM_001348321.1); c.4076del, p.Gly1359fs (NM_001348322.1, NM_001348324.2, NM_001348325.2 and 2 more transcripts); c.4079del, p.Gly1360fs (NM_001348328.1, NM_001348329.2, NM_001348330.2); and 4 more; short protein forms G1285fs, G1325fs, G1360fs, G1014fs, G1317fs, G1333fs, G1355fs, G1284fs.
Identifiers: ClinVar variation 817916 (VCV000817916.1), dbSNP rs1575073974, ClinGen allele CA915941749.

ClinVar aggregate classification (germline): Pathogenic (1 of 4 stars; one submission).

Submission:

GeneDx
Classification: Pathogenic. Last evaluated: 2018-12-04. Review status: criteria provided, single submitter. Criteria: GeneDx Variant Classification (06012015). Collection method: clinical testing. Allele origin: germline. Affected: yes.
Comment: The c.3851delG variant in the TRIP12 gene has not been reported previously as a pathogenic variant nor as a benign variant, to our knowledge. The c.3851delG variant causes a frameshift starting with codon Glycine 1284, changes this amino acid to a Valine residue, and creates a premature Stop codon at position 20 of the new reading frame, denoted p.Gly1284ValfsX20. This variant is predicted to cause loss of normal protein function either through protein truncation or nonsense-mediated mRNA decay. The c.3851delG variant is not observed in large population cohorts (Lek et al., 2016). We interpret c.3851delG as a pathogenic variant.